The following is an entry in ClinVar:

ClinVar aggregate classification (germline): Conflicting classifications of pathogenicity. Review status: criteria provided, conflicting classifications (1 of 4 stars). 2 submissions from 2 submitters: Uncertain significance (1); Likely benign (1). Last evaluated 2025-02-22.

Conditions:
Primary ciliary dyskinesia. Also called: Ciliary dyskinesia. Identifiers: Orphanet 244, MedGen C0008780, MONDO:0016575, HP:0012265.

Allele frequency attached by ClinVar (database versions not stated): TOPMed below 0.00001.

Submissions (2):

Ambry Genetics
Classification: Likely benign for Primary ciliary dyskinesia. Last evaluated: 2025-02-22. Review status: criteria provided, single submitter. Criteria: Ambry Variant Classification Scheme 2023. Collection method: clinical testing. Allele origin: germline.

Labcorp Genetics (formerly Invitae), Labcorp
Classification: Uncertain significance for Primary ciliary dyskinesia. Last evaluated: 2023-12-18. Review status: criteria provided, single submitter. Criteria: Invitae Variant Classification Sherloc (09022015). Collection method: clinical testing. Allele origin: germline.
Comment: This sequence change replaces proline, which is neutral and non-polar, with leucine, which is neutral and non-polar, at codon 99 of the RSPH4A protein (p.Pro99Leu). This variant is not present in population databases (gnomAD no frequency). This variant has not been reported in the literature in individuals affected with RSPH4A-related conditions. ClinVar contains an entry for this variant (Variation ID: 853738). Algorithms developed to predict the effect of missense changes on protein structure and function output the following: SIFT: "Not Available"; PolyPhen-2: "Benign"; Align-GVGD: "Not Available". The leucine amino acid residue is found in multiple mammalian species, which suggests that this missense change does not adversely affect protein function. In summary, the available evidence is currently insufficient to determine the role of this variant in disease. Therefore, it has been classified as a Variant of Uncertain Significance.

NM_001010892.3(RSPH4A):c.296C>T (p.Pro99Leu)

Gene: RSPH4A (radial spoke head component 4A; plus strand). Cytogenetic location: 6q22.1.
Variant type: single nucleotide variant.
Coding change: c.296C>T on transcript NM_001010892.3 (MANE Select); coding-DNA position 296, C replaced by T.
Protein change: p.Pro99Leu; replaces proline 99 with leucine.
Molecular consequence: missense variant.
Genome position (GRCh38, 1-based): chr6:116,616,919, C>T. VCF-style: chr6-116616919-C-T. GRCh37 (hg19) VCF-style: chr6-116938082-C-T.
Other names: c.296C>T, p.Pro99Leu (NM_001161664.2); short protein forms P99L.
Identifiers: ClinVar variation 853738 (VCV000853738.11), dbSNP rs1775514576, ClinGen allele CA365391550.